The following is an entry in ClinVar:

NM_182925.5(FLT4):c.2530C>T (p.Arg844Trp)

Genes: FLT4 (fms related receptor tyrosine kinase 4; minus strand), LOC126807632 (CDK7 strongly-dependent group 2 enhancer GRCh37_chr5:180046831-180048030; plus strand). Cytogenetic location: 5q35.3.
Variant type: single nucleotide variant.
Coding change: c.2530C>T on transcript NM_182925.5 (MANE Select); coding-DNA position 2530, C replaced by T.
Protein change: p.Arg844Trp; replaces arginine 844 with tryptophan.
Molecular consequence: missense variant.
Genome position (GRCh38, 1-based): chr5:180,620,185, G>A on the plus strand (C>T on the coding strand, the complement: FLT4 is on the minus strand). VCF-style: chr5-180620185-G-A. GRCh37 (hg19) VCF-style: chr5-180047185-G-A.
Other names: c.2530C>T, p.Arg844Trp (NM_001354989.2, NM_002020.5); short protein forms R844W.
Identifiers: ClinVar variation 3257149 (VCV003257149.17).

ClinVar aggregate classification (germline): Uncertain significance (1 of 4 stars; one submission).

Submission:

CeGaT Center for Human Genetics Tuebingen
Classification: Uncertain significance. Last evaluated: 2024-07-01. Review status: criteria provided, single submitter. Criteria: CeGaT Center For Human Genetics Tuebingen Variant Classification Criteria Version 2. Collection method: clinical testing. Allele origin: germline. Affected: yes. Observed: 1 variant allele.
Comment: FLT4: PM2, PM5, PP3